The following is an entry in ClinVar:

ClinVar aggregate classification (germline): Pathogenic (1 of 4 stars; one submission).

Conditions:
Leber congenital amaurosis 3 (LCA3). Also called: SPATA7-Related Retinitis Pigmentosa. Identifiers: MedGen C1858677, MONDO:0011415, OMIM 604232.

Submission:

Labcorp Genetics (formerly Invitae), Labcorp
Classification: Pathogenic for Leber congenital amaurosis 3. Last evaluated: 2019-12-11. Review status: criteria provided, single submitter. Criteria: Invitae Variant Classification Sherloc (09022015). Collection method: clinical testing. Allele origin: germline.
Comment: This variant has not been reported in the literature in individuals with SPATA7-related conditions. This variant disrupts the C-terminus of the SPATA7 protein. Other variant(s) that disrupt this region (p.Asn454Lysfs*2) have been determined to be pathogenic (Invitae). This suggests that variants that disrupt this region of the protein are likely to be causative of disease. For these reasons, this variant has been classified as Pathogenic. This variant is not present in population databases (ExAC no frequency). This sequence change results in a premature translational stop signal in the SPATA7 gene (p.Gln399*). While this is not anticipated to result in nonsense mediated decay, it is expected to disrupt the last 201 amino acids of the SPATA7 protein.

NM_018418.5(SPATA7):c.1195C>T (p.Gln399Ter)

Gene: SPATA7 (spermatogenesis associated 7; plus strand). Cytogenetic location: 14q31.3.
Variant type: single nucleotide variant.
Coding change: c.1195C>T on transcript NM_018418.5 (MANE Select); coding-DNA position 1195, C replaced by T.
Protein change: p.Gln399Ter; replaces glutamine 399 with a stop codon.
Molecular consequence: nonsense.
Genome position (GRCh38, 1-based): chr14:88,437,577, C>T. VCF-style: chr14-88437577-C-T. GRCh37 (hg19) VCF-style: chr14-88903921-C-T.
Other names: c.1099C>T, p.Gln367Ter (NM_001040428.4); short protein forms Q367*, Q399*.
Identifiers: ClinVar variation 854754 (VCV000854754.9), dbSNP rs2077123571, ClinGen allele CA390570654.